The following is an entry in ClinVar:

ClinVar aggregate classification (germline): Uncertain significance. Review status: criteria provided, multiple submitters, no conflicts (2 of 4 stars). 2 submissions from 2 submitters: Uncertain significance (2). Last evaluated 2025-08-23.

Conditions:
Inborn genetic diseases. Identifiers: MedGen C0950123, MeSH D030342.

Submissions (2):

Ambry Genetics
Classification: Uncertain significance for Inborn genetic diseases. Last evaluated: 2025-08-23. Review status: criteria provided, single submitter. Criteria: Ambry Variant Classification Scheme 2023. Collection method: clinical testing. Allele origin: germline.

CeGaT Center for Human Genetics Tuebingen
Classification: Uncertain significance. Last evaluated: 2025-04-01. Review status: criteria provided, single submitter. Criteria: CeGaT Center For Human Genetics Tuebingen Variant Classification Criteria Version 2. Collection method: clinical testing. Allele origin: germline. Affected: yes. Observed: 1 variant allele.
Comment: ASXL3: PM2, BP4

NM_030632.3(ASXL3):c.5104G>A (p.Val1702Ile)

Gene: ASXL3 (ASXL transcriptional regulator 3; plus strand). Cytogenetic location: 18q12.1.
Variant type: single nucleotide variant.
Coding change: c.5104G>A on transcript NM_030632.3 (MANE Select); coding-DNA position 5104, G replaced by A.
Protein change: p.Val1702Ile; replaces valine 1702 with isoleucine.
Molecular consequence: missense variant.
Genome position (GRCh38, 1-based): chr18:33,744,952, G>A. VCF-style: chr18-33744952-G-A. GRCh37 (hg19) VCF-style: chr18-31324916-G-A.
Other names: c.5104G>A (NM_030632.1); short protein forms V1702I.
Identifiers: ClinVar variation 3905774 (VCV003905774.11).